The following is an entry in ClinVar:

ClinVar aggregate classification (germline): Pathogenic (1 of 4 stars; one submission).

Conditions:
Aplastic anemia. Identifiers: Orphanet 182040, Orphanet 88, MedGen C0002874, MONDO:0015909, OMIM 609135, HP:0001915.
Shwachman-Diamond syndrome 1 (SDS1). Also called: LIPOMATOSIS OF PANCREAS, CONGENITAL. Identifiers: MedGen C4692625, MONDO:0044204, OMIM 260400.

Submission:

Juno Genomics, Hangzhou Juno Genomics, Inc
Classification: Pathogenic for Shwachman-Diamond syndrome 1; Aplastic anemia. Review status: criteria provided, single submitter. Criteria: ACMG Guidelines, 2015. Collection method: clinical testing. Allele origin: germline. Affected: yes.
Comment: Null variant in a gene where loss of function (LOF) is a known mechanism of disease.;Absent from controls (or at extremely low frequency if recessive) in Genome Aggregation Database, Exome Sequencing Project, 1000 Genomes Project, or Exome Aggregation Consortium.;For recessive disorders, detected in trans with a pathogenic variant.

NM_016038.4(SBDS):c.160dup (p.His54fs)

Gene: SBDS (SBDS ribosome maturation factor; minus strand). Cytogenetic location: 7q11.21.
Variant type: Duplication.
Coding change: c.160dup on transcript NM_016038.4 (MANE Select); coding-DNA position 160, one base duplicated (C; older notation c.160dupC).
Protein change: p.His54fs; shifts the reading frame from histidine 54.
Molecular consequence: frameshift variant.
Genome position (GRCh38, 1-based): chr7:66,994,310, G duplicated on the plus strand (C on the coding strand, the reverse complement: SBDS is on the minus strand); the first of 3 consecutive G bases (chr7:66,994,310-66,994,312); duplicating any one gives the same sequence. VCF-style (leftmost placement, unchanged base first): chr7-66994309-T-TG. GRCh37 (hg19) VCF-style: chr7-66459296-T-TG.
Other names: short protein forms H54fs.
Identifiers: ClinVar variation 3382997 (VCV003382997.2).